The following is an entry in ClinVar:

ClinVar aggregate classification (germline): Uncertain significance. Review status: criteria provided, multiple submitters, no conflicts (2 of 4 stars). 2 submissions from 2 submitters: Uncertain significance (2). Last evaluated 2024-05-22.

Conditions:
Charcot-Marie-Tooth disease axonal type 2O. Also called: Charcot-Marie-Tooth Neuropathy Type 2O; CHARCOT-MARIE-TOOTH NEUROPATHY, AXONAL, TYPE 2O; CHARCOT-MARIE-TOOTH DISEASE, AXONAL, AUTOSOMAL DOMINANT, TYPE 2O; Charcot-Marie-Tooth disease, axonal, type 20. Identifiers: Orphanet 284232, MedGen C3280220, MONDO:0013644, OMIM 614228.

Allele frequency attached by ClinVar (database versions not stated): TOPMed below 0.00001; gnomAD 0.00001; gnomAD exomes 0.00002.
gnomAD v4.1: 27 of 1,614,052 alleles (0.0017%); highest among the groups gnomAD compares: Non-Finnish European, 0.0022%; no homozygotes.

Submissions (2):

Labcorp Genetics (formerly Invitae), Labcorp
Classification: Uncertain significance for Charcot-Marie-Tooth disease axonal type 2O. Last evaluated: 2024-05-22. Review status: criteria provided, single submitter. Criteria: Invitae Variant Classification Sherloc (09022015). Collection method: clinical testing. Allele origin: germline.
Comment: This sequence change replaces glycine, which is neutral and non-polar, with arginine, which is basic and polar, at codon 3926 of the DYNC1H1 protein (p.Gly3926Arg). This variant is not present in population databases (gnomAD no frequency). This variant has not been reported in the literature in individuals affected with DYNC1H1-related conditions. ClinVar contains an entry for this variant (Variation ID: 245988). Advanced modeling of protein sequence and biophysical properties (such as structural, functional, and spatial information, amino acid conservation, physicochemical variation, residue mobility, and thermodynamic stability) performed at Invitae indicates that this missense variant is not expected to disrupt DYNC1H1 protein function with a negative predictive value of 95%. In summary, the available evidence is currently insufficient to determine the role of this variant in disease. Therefore, it has been classified as a Variant of Uncertain Significance.

GeneDx
Classification: Uncertain significance. Last evaluated: 2015-10-21. Review status: criteria provided, single submitter. Criteria: GeneDx Variant Classification (06012015). Collection method: clinical testing. Allele origin: germline. Affected: yes.
Comment: The G3926R variant has not been published as a pathogenic variant, nor has it been reported as a benign variant to our knowledge. It was not observed in approximately 6,500 individuals of European and African American ancestry in the NHLBI Exome Sequencing Project, indicating it is not a common benign variant in these populations. The G3926R variant is a non-conservative amino acid substitution, which is likely to impact secondary protein structure as these residues differ in polarity, charge, size and/or other properties. This substitution occurs at a position that is conserved across species. However, in silico analysis is inconsistent in its predictions as to whether or not the variant is damaging to the protein structure/function. Therefore, based on the currently available information, it is unclear whether this variant is a pathogenic variant or a rare benign variant.

NM_001376.5(DYNC1H1):c.11776G>C (p.Gly3926Arg)

Gene: DYNC1H1 (dynein cytoplasmic 1 heavy chain 1; plus strand). Cytogenetic location: 14q32.31.
Variant type: single nucleotide variant.
Coding change: c.11776G>C on transcript NM_001376.5 (MANE Select); coding-DNA position 11776, G replaced by C.
Protein change: p.Gly3926Arg; replaces glycine 3926 with arginine.
Molecular consequence: missense variant.
Genome position (GRCh38, 1-based): chr14:102,040,321, G>C. VCF-style: chr14-102040321-G-C. GRCh37 (hg19) VCF-style: chr14-102506658-G-C.
Other names: short protein forms G3926R.
Identifiers: ClinVar variation 245988 (VCV000245988.11), dbSNP rs879254035, ClinGen allele CA10584473.